The following is an entry in ClinVar:

ClinVar aggregate classification (germline): Uncertain significance (1 of 4 stars; one submission).

Conditions:
Hereditary cancer-predisposing syndrome. Also called: Neoplastic Syndromes, Hereditary; Tumor predisposition; Hereditary Cancer Syndrome; Hereditary neoplastic syndrome. Identifiers: Orphanet 140162, MedGen C0027672, MeSH D009386, MONDO:0015356.

Submission:

Ambry Genetics
Classification: Uncertain significance for Hereditary cancer-predisposing syndrome. Last evaluated: 2025-11-08. Review status: criteria provided, single submitter. Criteria: Ambry Variant Classification Scheme 2023. Collection method: clinical testing. Allele origin: germline.
Comment: The p.L2033H variant (also known as c.6098T>A), located in coding exon 44 of the POLE gene, results from a T to A substitution at nucleotide position 6098. The leucine at codon 2033 is replaced by histidine, an amino acid with similar properties. This amino acid position is conserved. In addition, this alteration is predicted to be tolerated by in silico analysis. Based on the available evidence, the clinical significance of this variant remains unclear.

NM_006231.4(POLE):c.6098T>A (p.Leu2033His)

Gene: POLE (DNA polymerase epsilon, catalytic subunit; minus strand). Cytogenetic location: 12q24.33.
Variant type: single nucleotide variant.
Coding change: c.6098T>A on transcript NM_006231.4 (MANE Select); coding-DNA position 6098, T replaced by A.
Protein change: p.Leu2033His; replaces leucine 2033 with histidine.
Molecular consequence: missense variant.
Genome position (GRCh38, 1-based): chr12:132,632,702, A>T on the plus strand (T>A on the coding strand, the complement: POLE is on the minus strand). VCF-style: chr12-132632702-A-T. GRCh37 (hg19) VCF-style: chr12-133209288-A-T.
Other names: short protein forms L2033H.
Identifiers: ClinVar variation 4672317 (VCV004672317.1).